The following is an entry in ClinVar:

NM_000218.3(KCNQ1):c.2009G>A (p.Arg670Lys)

Genes: KCNQ1 (potassium voltage-gated channel subfamily Q member 1; plus strand), KCNQ1-AS1 (KCNQ1 antisense RNA 1; minus strand). Cytogenetic location: 11p15.4.
Variant type: single nucleotide variant.
Coding change: c.2009G>A on transcript NM_000218.3 (MANE Select); coding-DNA position 2009, G replaced by A.
Protein change: p.Arg670Lys; replaces arginine 670 with lysine.
Molecular consequence: missense variant.
Genome position (GRCh38, 1-based): chr11:2,847,981, G>A. VCF-style: chr11-2847981-G-A. GRCh37 (hg19) VCF-style: chr11-2869211-G-A.
Other names: c.1913G>A, p.Arg638Lys (NM_001406836.1); c.1739G>A, p.Arg580Lys (NM_001406837.1); c.1469G>A, p.Arg490Lys (NM_001406838.1); c.521G>A, p.Arg174Lys (NM_001406839.1); c.1628G>A, p.Arg543Lys (NM_181798.2); short protein forms R543K, R670K, R638K, R490K, R580K, R174K.
Identifiers: ClinVar variation 923275 (VCV000923275.10), dbSNP rs763389576, ClinGen allele CA034179.

ClinVar aggregate classification (germline): Uncertain significance. Review status: criteria provided, multiple submitters, no conflicts (2 of 4 stars). 3 submissions from 3 submitters: Uncertain significance (3). Last evaluated 2025-03-19.

Conditions:
Long QT syndrome (LQTS). Identifiers: MedGen C0023976, MeSH D008133, MONDO:0002442. Disease mechanism: loss of function. Inheritance: Various modes of inheritance.
Cardiac arrhythmia. Also called: Arrhythmia; Cardiac rhythm disease. Identifiers: MedGen C0003811, MONDO:0007263, HP:0011675.

Allele frequency attached by ClinVar (database versions not stated): ExAC 0.00010; gnomAD 0.00001; TOPMed 0.00001; gnomAD exomes 0.00002.
gnomAD v4.1: 25 of 1,551,908 alleles (0.0016%); highest among the groups gnomAD compares: South Asian, 0.019%; no homozygotes.

Submissions (3):

Labcorp Genetics (formerly Invitae), Labcorp
Classification: Uncertain significance for Long QT syndrome. Last evaluated: 2025-03-19. Review status: criteria provided, single submitter. Criteria: Invitae Variant Classification Sherloc (09022015). Collection method: clinical testing. Allele origin: germline.
Comment: This sequence change replaces arginine, which is basic and polar, with lysine, which is basic and polar, at codon 670 of the KCNQ1 protein (p.Arg670Lys). The frequency data for this variant in the population databases is considered unreliable, as metrics indicate poor data quality at this position in the gnomAD database. This missense change has been observed in individual(s) with atrial fibrillation (PMID: 24144883). ClinVar contains an entry for this variant (Variation ID: 923275). Invitae Evidence Modeling of protein sequence and biophysical properties (such as structural, functional, and spatial information, amino acid conservation, physicochemical variation, residue mobility, and thermodynamic stability) indicates that this missense variant is not expected to disrupt KCNQ1 protein function with a negative predictive value of 95%. Experimental studies have shown that this missense change affects KCNQ1 function (PMID: 25786344). In summary, the available evidence is currently insufficient to determine the role of this variant in disease. Therefore, it has been classified as a Variant of Uncertain Significance.

All of Us Research Program, National Institutes of Health
Classification: Uncertain significance for Long QT syndrome. Last evaluated: 2023-05-04. Review status: criteria provided, single submitter. Criteria: ACMG Guidelines, 2015. Collection method: clinical testing. Allele origin: germline. Inheritance: Autosomal dominant inheritance. Observed: 1 variant allele, 1 heterozygote.
Comment: Variant of Uncertain Significance due to insufficient evidence: This missense variant replaces arginine with lysine at codon 670 of the KCNQ1 protein. Computational prediction tools and conservation analyses are inconclusive regarding the impact of this variant on the protein function. Computational splicing tools suggest that this variant may not impact RNA splicing. To our knowledge, functional assays have not been performed for this variant. This variant has been reported in an individual affected with atrial fibrillation (PMID: 24144883, 25786344). This variant is rare in the general population and has been identified in 0/277264 chromosomes by the Genome Aggregation Database (gnomAD). Available evidence is insufficient to determine the role of this variant in disease conclusively.

This study involves interpretation of variants in research participants for the purpose of population health screening. Participant phenotype was not available at the time of variant classification. Additional details can be found in publication PMID: 35346344, PMCID: PMC8962531

Color Diagnostics, LLC DBA Color Health
Classification: Uncertain significance for Cardiac arrhythmia. Last evaluated: 2023-04-07. Review status: criteria provided, single submitter. Criteria: ACMG Guidelines, 2015. Collection method: clinical testing. Allele origin: germline.
Comment: This missense variant replaces arginine with lysine at codon 670 of the KCNQ1 protein. Computational prediction suggests that this variant may have deleterious impact on protein structure and function (internally defined REVEL score threshold >= 0.7, PMID: 27666373). To our knowledge, functional studies have not been reported for this variant. This variant has been reported in an individual affected with atrial fibrillation (PMID: 24144883, 25786344). This variant has been identified in 4/162258 chromosomes in the general population by the Genome Aggregation Database (gnomAD). The available evidence is insufficient to determine the role of this variant in disease conclusively. Therefore, this variant is classified as a Variant of Uncertain Significance.

Literature cited by the submitters: PubMed 24144883 (cited by 3 submitters); PubMed 25786344 (cited by 3 submitters).